The following is an entry in ClinVar:

NM_145207.3(AFG2A):c.2416T>C (p.Phe806Leu)

Gene: AFG2A (AAA ATPase AFG2A; plus strand). Cytogenetic location: 4q28.1.
Variant type: single nucleotide variant.
Coding change: c.2416T>C on transcript NM_145207.3 (MANE Select); coding-DNA position 2416, T replaced by C.
Protein change: p.Phe806Leu; replaces phenylalanine 806 with leucine.
Molecular consequence: missense variant.
Genome position (GRCh38, 1-based): chr4:123,256,091, T>C. VCF-style: chr4-123256091-T-C. GRCh37 (hg19) VCF-style: chr4-124177246-T-C.
Other names: c.2413T>C, p.Phe805Leu (NM_001345856.2); short protein forms F805L, F806L.
Identifiers: ClinVar variation 3758178 (VCV003758178.2).

ClinVar aggregate classification (germline): Uncertain significance (1 of 4 stars; one submission).

Conditions:
Microcephaly-intellectual disability-sensorineural hearing loss-epilepsy-abnormal muscle tone syndrome (NEDHSB). Also called: NEURODEVELOPMENTAL DISORDER WITH HEARING LOSS, SEIZURES, AND BRAIN ABNORMALITIES. Identifiers: Orphanet 457351, MedGen C4225276, MONDO:0014698, OMIM 616577.

gnomAD v4.1: 2 of 1,614,110 alleles (0.00012%); highest among the groups gnomAD compares: Non-Finnish European, 0.00017%; no homozygotes.

Submission:

Labcorp Genetics (formerly Invitae), Labcorp
Classification: Uncertain significance for Microcephaly-intellectual disability-sensorineural hearing loss-epilepsy-abnormal muscle tone syndrome. Last evaluated: 2023-10-13. Review status: criteria provided, single submitter. Criteria: Invitae Variant Classification Sherloc (09022015). Collection method: clinical testing. Allele origin: germline.
Comment: This sequence change replaces phenylalanine, which is neutral and non-polar, with leucine, which is neutral and non-polar, at codon 806 of the SPATA5 protein (p.Phe806Leu). This variant is not present in population databases (gnomAD no frequency). This variant has not been reported in the literature in individuals affected with SPATA5-related conditions. Advanced modeling of protein sequence and biophysical properties (such as structural, functional, and spatial information, amino acid conservation, physicochemical variation, residue mobility, and thermodynamic stability) performed at Invitae indicates that this missense variant is not expected to disrupt SPATA5 protein function. In summary, the available evidence is currently insufficient to determine the role of this variant in disease. Therefore, it has been classified as a Variant of Uncertain Significance.